The following is an entry in ClinVar:

ClinVar aggregate classification (germline): Likely benign (1 of 4 stars; one submission).

Allele frequency attached by ClinVar (database versions not stated): 1000 Genomes Project 30x 0.00047; 1000 Genomes Project 0.00060; TOPMed 0.00198; gnomAD 0.00241; ExAC 0.00303; ESP Exome Variant Server 0.00346; gnomAD exomes 0.00414.
gnomAD v4.1: 6,317 of 1,612,826 alleles (0.39%); highest among the groups gnomAD compares: Non-Finnish European, 0.49%; 11 homozygotes.

Submissions (27):

CeGaT Center for Human Genetics Tuebingen
Classification: Likely benign. Last evaluated: 2022-03-01. Review status: criteria provided, single submitter. Criteria: CeGaT Center For Human Genetics Tuebingen Variant Classification Criteria Version 2. Collection method: clinical testing. Allele origin: germline. Affected: yes. Observed: 1 variant allele.
Comment: ADCY4: BP4, BP7

Dr. Peter K. Rogan Lab, Western University
No classification provided (evidence only). Condition: Malignant tumor of urinary bladder. Review status: no classification provided. Collection method: in vitro. Allele origin: not applicable. Functional consequence: retained intron. Not counted in ClinVar's aggregate classification.

Dr. Peter K. Rogan Lab, Western University
No classification provided (evidence only). Condition: Clear cell carcinoma of kidney. Review status: no classification provided. Collection method: in vitro. Allele origin: not applicable. Functional consequence: retained intron. Not counted in ClinVar's aggregate classification.

Dr. Peter K. Rogan Lab, Western University
No classification provided (evidence only). Condition: Clear cell carcinoma of kidney. Review status: no classification provided. Collection method: in vitro. Allele origin: not applicable. Functional consequence: retained intron. Not counted in ClinVar's aggregate classification.

Dr. Peter K. Rogan Lab, Western University
No classification provided (evidence only). Condition: Papillary renal cell carcinoma type 1. Review status: no classification provided. Collection method: in vitro. Allele origin: not applicable. Functional consequence: retained intron. Not counted in ClinVar's aggregate classification.

Dr. Peter K. Rogan Lab, Western University
No classification provided (evidence only). Condition: Lung cancer. Review status: no classification provided. Collection method: in vitro. Allele origin: not applicable. Functional consequence: retained intron. Not counted in ClinVar's aggregate classification.

Dr. Peter K. Rogan Lab, Western University
No classification provided (evidence only). Condition: Lung cancer. Review status: no classification provided. Collection method: in vitro. Allele origin: not applicable. Functional consequence: retained intron. Not counted in ClinVar's aggregate classification.

Dr. Peter K. Rogan Lab, Western University
No classification provided (evidence only). Condition: Melanoma. Review status: no classification provided. Collection method: in vitro. Allele origin: not applicable. Functional consequence: retained intron. Not counted in ClinVar's aggregate classification.

Dr. Peter K. Rogan Lab, Western University
No classification provided (evidence only). Condition: Melanoma. Review status: no classification provided. Collection method: in vitro. Allele origin: not applicable. Functional consequence: retained intron. Not counted in ClinVar's aggregate classification.

Dr. Peter K. Rogan Lab, Western University
No classification provided (evidence only). Condition: Melanoma. Review status: no classification provided. Collection method: in vitro. Allele origin: not applicable. Functional consequence: retained intron. Not counted in ClinVar's aggregate classification.

Dr. Peter K. Rogan Lab, Western University
No classification provided (evidence only). Condition: Melanoma. Review status: no classification provided. Collection method: in vitro. Allele origin: not applicable. Functional consequence: retained intron. Not counted in ClinVar's aggregate classification.

Dr. Peter K. Rogan Lab, Western University
No classification provided (evidence only). Condition: Melanoma. Review status: no classification provided. Collection method: in vitro. Allele origin: not applicable. Functional consequence: retained intron. Not counted in ClinVar's aggregate classification.

Dr. Peter K. Rogan Lab, Western University
No classification provided (evidence only). Condition: Melanoma. Review status: no classification provided. Collection method: in vitro. Allele origin: not applicable. Functional consequence: retained intron. Not counted in ClinVar's aggregate classification.

Dr. Peter K. Rogan Lab, Western University
No classification provided (evidence only). Condition: Familial cancer of breast. Review status: no classification provided. Collection method: in vitro. Allele origin: not applicable. Functional consequence: retained intron. Not counted in ClinVar's aggregate classification.

Dr. Peter K. Rogan Lab, Western University
No classification provided (evidence only). Condition: Familial cancer of breast. Review status: no classification provided. Collection method: in vitro. Allele origin: not applicable. Functional consequence: retained intron. Not counted in ClinVar's aggregate classification.

Dr. Peter K. Rogan Lab, Western University
No classification provided (evidence only). Condition: Familial cancer of breast. Review status: no classification provided. Collection method: in vitro. Allele origin: not applicable. Functional consequence: retained intron. Not counted in ClinVar's aggregate classification.

Dr. Peter K. Rogan Lab, Western University
No classification provided (evidence only). Condition: Colon adenocarcinoma. Review status: no classification provided. Collection method: in vitro. Allele origin: not applicable. Functional consequence: retained intron. Not counted in ClinVar's aggregate classification.

Dr. Peter K. Rogan Lab, Western University
No classification provided (evidence only). Condition: Thyroid cancer, nonmedullary, 1. Review status: no classification provided. Collection method: in vitro. Allele origin: not applicable. Functional consequence: retained intron. Not counted in ClinVar's aggregate classification.

Dr. Peter K. Rogan Lab, Western University
No classification provided (evidence only). Condition: Cervical cancer. Review status: no classification provided. Collection method: in vitro. Allele origin: not applicable. Functional consequence: retained intron. Not counted in ClinVar's aggregate classification.

Dr. Peter K. Rogan Lab, Western University
No classification provided (evidence only). Condition: Thymoma. Review status: no classification provided. Collection method: in vitro. Allele origin: not applicable. Functional consequence: retained intron. Not counted in ClinVar's aggregate classification.

Dr. Peter K. Rogan Lab, Western University
No classification provided (evidence only). Condition: Thymoma. Review status: no classification provided. Collection method: in vitro. Allele origin: not applicable. Functional consequence: retained intron. Not counted in ClinVar's aggregate classification.

Dr. Peter K. Rogan Lab, Western University
No classification provided (evidence only). Condition: Cholangiocarcinoma. Review status: no classification provided. Collection method: in vitro. Allele origin: not applicable. Functional consequence: retained intron. Not counted in ClinVar's aggregate classification.

Dr. Peter K. Rogan Lab, Western University
No classification provided (evidence only). Condition: Ovarian serous cystadenocarcinoma. Review status: no classification provided. Collection method: in vitro. Allele origin: not applicable. Functional consequence: retained intron. Not counted in ClinVar's aggregate classification.

Dr. Peter K. Rogan Lab, Western University
No classification provided (evidence only). Condition: Ovarian serous cystadenocarcinoma. Review status: no classification provided. Collection method: in vitro. Allele origin: not applicable. Functional consequence: retained intron. Not counted in ClinVar's aggregate classification.

Dr. Peter K. Rogan Lab, Western University
No classification provided (evidence only). Condition: Gastric cancer. Review status: no classification provided. Collection method: in vitro. Allele origin: not applicable. Functional consequence: retained intron. Not counted in ClinVar's aggregate classification.

Dr. Peter K. Rogan Lab, Western University
No classification provided (evidence only). Condition: Uveal melanoma. Review status: no classification provided. Collection method: in vitro. Allele origin: not applicable. Functional consequence: retained intron. Not counted in ClinVar's aggregate classification.

Dr. Peter K. Rogan Lab, Western University
No classification provided (evidence only). Condition: Malignant tumor of esophagus. Review status: no classification provided. Collection method: in vitro. Allele origin: not applicable. Functional consequence: retained intron. Not counted in ClinVar's aggregate classification.

NM_001198568.2(ADCY4):c.1524G>A (p.Pro508=)

Gene: ADCY4 (adenylate cyclase 4; minus strand). Cytogenetic location: 14q12.
Variant type: single nucleotide variant.
Coding change: c.1524G>A on transcript NM_001198568.2 (MANE Select); coding-DNA position 1524, G replaced by A.
Protein change: p.Pro508=; no amino-acid change (proline 508 retained).
Molecular consequence: synonymous variant.
Genome position (GRCh38, 1-based): chr14:24,329,061, C>T on the plus strand (G>A on the coding strand, the complement: ADCY4 is on the minus strand). VCF-style: chr14-24329061-C-T. GRCh37 (hg19) VCF-style: chr14-24798267-C-T.
Other names: NC_000014.8:g.24798267C>T; c.1524G>A, p.Pro508= (NM_001198592.2, NM_139247.4).
Identifiers: ClinVar variation 2644137 (VCV002644137.25), dbSNP rs78654006, ClinGen allele CA7134584.